The following is an entry in ClinVar:

NM_004606.5(TAF1):c.4108-5C>T

Gene: TAF1 (TATA-box binding protein associated factor 1; plus strand). Cytogenetic location: Xq13.1.
Variant type: single nucleotide variant.
Coding change: c.4108-5C>T on transcript NM_004606.5 (MANE Select); 5 bases into the intron before coding-DNA position 4108, C replaced by T.
Molecular consequence: intron variant.
Genome position (GRCh38, 1-based): chrX:71,407,569, C>T. VCF-style: chrX-71407569-C-T. GRCh37 (hg19) VCF-style: chrX-70627419-C-T.
Other names: c.4108-5C>T (NM_001286074.2); c.4045-5C>T (NM_138923.4).
Identifiers: ClinVar variation 1699337 (VCV001699337.3), dbSNP rs2148485195, ClinGen allele CA923726150.

ClinVar aggregate classification (germline): Uncertain significance (1 of 4 stars; one submission).

Conditions:
Intellectual developmental disorder, X-linked, syndromic 33. Also called: X-linked intellectual disability-global development delay-facial dysmorphism-sacral caudal remnant syndrome; Intellectual disability, X-linked, syndromic 33. Identifiers: Orphanet 480907, MedGen C4225418, MONDO:0010500, OMIM 300966.

Submission:

Victorian Clinical Genetics Services, Murdoch Childrens Research Institute
Classification: Uncertain significance for Intellectual developmental disorder, X-linked, syndromic 33. Last evaluated: 2020-05-21. Review status: criteria provided, single submitter. Criteria: ACMG Guidelines, 2015. Collection method: clinical testing. Allele origin: germline. Inheritance: X-linked recessive inheritance. Affected: yes.
Comment: Based on the classification scheme VCGS_Germline_v1.1.1, this variant is classified as VUS – 3C. Following criteria are met: 0102 - Loss-of-function is a known mechanism of disease for this gene. (N) 0109 - This gene is known to be associated with X-linked recessive disease. (N) 0212 - Non-canonical splice variant without proven consequence on splicing (no functional evidence available) (intron 26 of 37). (P) 0253 - Variant is hemizygous. (N) 0301 - Variant is absent from gnomAD. (P) 0506 - Abnormal splicing is not predicted and nucleotide is poorly conserved. (B) 0705 - No comparable variants have previous evidence for pathogenicity. (N) 0807 - Variant has not previously been reported in a clinical context. (N) 0905 - No segregation evidence has been identified for this variant. (N) 1007 - No published functional evidence has been identified for this variant. (N) Legend: (P) - Pathogenic, (N) - Neutral, (B) - Benign